The following is an entry in ClinVar:

ClinVar aggregate classification (germline): Likely pathogenic (1 of 4 stars; one submission).

Conditions:
Microcephaly with or without chorioretinopathy, lymphedema, or impaired intellectual development. Also called: MICROCEPHALY, LYMPHEDEMA, CHORIORETINAL DYSPLASIA SYNDROME; Microcephaly lymphedema chorioretinal dysplasia; MICROCEPHALY AND CHORIORETINOPATHY WITH OR WITHOUT MENTAL RETARDATION, AUTOSOMAL DOMINANT; Microcephaly with or without chorioretinopathy, lymphedema, or mental retardation; Microcephaly with or without chorioretinopathy, lymphedema, or intellectual disability. Identifiers: Orphanet 2526, MedGen C1835265, MONDO:0007918, OMIM 152950.

Submission:

Genomics, Clalit Research Institute, Clalit Health Care
Classification: Likely pathogenic for Microcephaly with or without chorioretinopathy, lymphedema, or impaired intellectual development. Last evaluated: 2025-07-29. Review status: criteria provided, single submitter. Criteria: ACMG Guidelines, 2015. Collection method: clinical testing. Allele origin: germline. Affected: yes.
Comment: Variant type: Null variant in a gene where LOF is a known mechanism of disease. Exon skipping disrupts reading frame. Predicted to undergo NMD. Altered region is critical to protein function. Frequency: The variant is absent from the gnomAD reference population dataset. Clinical evidence: To date, the variant has not been described by reputable sources or in the primary literature.

NM_004523.4(KIF11):c.2548-2A>T

Gene: KIF11 (kinesin family member 11; plus strand). Cytogenetic location: 10q23.33.
Variant type: single nucleotide variant.
Coding change: c.2548-2A>T on transcript NM_004523.4 (MANE Select); the canonical splice acceptor site of the intron before coding-DNA position 2548, A replaced by T.
Molecular consequence: splice acceptor variant.
Genome position (GRCh38, 1-based): chr10:92,648,210, A>T. VCF-style: chr10-92648210-A-T. GRCh37 (hg19) VCF-style: chr10-94407967-A-T.
Identifiers: ClinVar variation 4845295 (VCV004845295.1).